The following is an entry in ClinVar:

ClinVar aggregate classification (germline): Likely pathogenic (1 of 4 stars; one submission).

Allele frequency attached by ClinVar (database versions not stated): gnomAD 0.00001.
gnomAD v4.1: 1 of 1,613,592 alleles (0.000062%); highest among the groups gnomAD compares: Non-Finnish European, 0.000085%; no homozygotes.

Submission:

GeneDx
Classification: Likely pathogenic. Last evaluated: 2017-10-19. Review status: criteria provided, single submitter. Criteria: GeneDx Variant Classification (06012015). Collection method: clinical testing. Allele origin: germline. Affected: yes.
Comment: The Y25809X likely pathogenic variant in the TTN gene has not been published as pathogenic or been reported as benign to our knowledge. This variant is predicted to cause loss of normal protein function either due to production of an abnormal, prematurely truncated protein, or by absence of protein product due to nonsense mediated mRNA decay. Other truncating TTN variants have been reported in approximately 3% of control alleles (Herman et al., 2012). However, the Y25809X variant is located in the A-band region of titin, where the majority of truncating pathogenic variants associated with DCM have been reported (Herman et al., 2012). Furthermore, the Y25809X variant is not observed in large population cohorts (Lek et al., 2016).

NM_001267550.2(TTN):c.82350T>A (p.Tyr27450Ter)

Genes: TTN (titin; minus strand), TTN-AS1 (TTN antisense RNA 1; plus strand). Cytogenetic location: 2q31.2.
Variant type: single nucleotide variant.
Coding change: c.82350T>A on transcript NM_001267550.2 (MANE Select); coding-DNA position 82350, T replaced by A.
Protein change: p.Tyr27450Ter; replaces tyrosine 27450 with a stop codon.
Molecular consequence: nonsense.
Genome position (GRCh38, 1-based): chr2:178,563,782, A>T on the plus strand (T>A on the coding strand, the complement: TTN is on the minus strand). VCF-style: chr2-178563782-A-T. GRCh37 (hg19) VCF-style: chr2-179428509-A-T.
Other names: c.77427T>A, p.Tyr25809Ter (NM_001256850.1); c.55155T>A, p.Tyr18385Ter (NM_003319.4); c.74646T>A, p.Tyr24882Ter (NM_133378.4); c.55530T>A, p.Tyr18510Ter (NM_133432.3); c.55731T>A, p.Tyr18577Ter (NM_133437.4); short protein forms Y25809*, Y27450*, Y18385*, Y18510*, Y24882*, Y18577*.
Identifiers: ClinVar variation 452839 (VCV000452839.2), dbSNP rs1060503941, ClinGen allele CA349573978.
Genomic context (GRCh38, chr2:178,563,782, plus strand): 5'-TGGTGGCTTATAAGGATTACAGGCCGTAACAGGCCCAGATTCCAAGGGCTCTCCAATTCC[A>T]TATTTATTCACAGCCATGACACGGAAAATGTACTCATTACCAGGAAGAAGTTTAGTAACT-3'